The following is an entry in ClinVar:

ClinVar aggregate classification (germline): Pathogenic (1 of 4 stars; one submission).

Conditions:
Miller Dieker syndrome (MDLS). Also called: Lissencephaly Syndrome, Miller-Dieker. Identifiers: Orphanet 531, MedGen C0265219, MONDO:0009532, OMIM 247200.

Submission:

Mendelics
Classification: Pathogenic for Miller Dieker syndrome. Last evaluated: 2026-03-05. Review status: criteria provided, single submitter. Criteria: ACMG Guidelines, 2015. Collection method: clinical testing. Allele origin: unknown.
Comment: Likely pathogenic/Pathogenic according to ACMG criteria.

Single allele

Gene: YWHAE (tyrosine 3-monooxygenase/tryptophan 5-monooxygenase activation protein epsilon; minus strand). Cytogenetic location: 17p13.3.
Variant type: Deletion.
Identifiers: ClinVar variation 4813503 (VCV004813503.1).